The following is an entry in ClinVar:

ClinVar aggregate classification (germline): Benign. Review status: criteria provided, multiple submitters, no conflicts (2 of 4 stars). 4 submissions from 4 submitters: Benign (4). Last evaluated 2026-02-04.

Conditions:
Monilethrix. Also called: Beaded hair. Identifiers: Orphanet 573, MedGen C0546966, MONDO:0008009, HP:0032470.

Allele frequency attached by ClinVar (database versions not stated): gnomAD exomes 0.37481 and 0.40860; 1000 Genomes Project 0.37560; ExAC 0.38258; 1000 Genomes Project 30x 0.38367; gnomAD 0.41441 and 0.41906; TOPMed 0.41558; ESP Exome Variant Server 0.43726.
gnomAD v4.1: 660,059 of 1,613,598 alleles (41%); highest among the groups gnomAD compares: African/African-American, 49%; 137,575 homozygotes.

Submissions (4):

Labcorp Genetics (formerly Invitae), Labcorp
Classification: Benign. Last evaluated: 2026-02-04. Review status: criteria provided, single submitter. Criteria: Invitae Variant Classification Sherloc (09022015). Collection method: clinical testing. Allele origin: germline.

GeneDx
Classification: Benign. Last evaluated: 2018-11-12. Review status: criteria provided, single submitter. Criteria: GeneDx Variant Classification Process June 2021. Collection method: clinical testing. Allele origin: germline. Affected: yes.

Illumina Laboratory Services, Illumina
Classification: Benign for Monilethrix-1. Last evaluated: 2018-01-13. Review status: criteria provided, single submitter. Criteria: ICSL Variant Classification Criteria 13 December 2019. Collection method: clinical testing. Allele origin: germline.
Comment: This variant was observed in the ICSL laboratory as part of a predisposition screen in an ostensibly healthy population. It had not been previously curated by ICSL or reported in the Human Gene Mutation Database (HGMD: prior to June 1st, 2018), and was therefore a candidate for classification through an automated scoring system. Utilizing variant allele frequency, disease prevalence and penetrance estimates, and inheritance mode, an automated score was calculated to assess if this variant is too frequent to cause the disease. Based on the score and internal cut-off values, a variant classified as benign is not then subjected to further curation. The score for this variant resulted in a classification of benign for this disease.

Breakthrough Genomics
Classification: Benign. Review status: criteria provided, single submitter. Criteria: ACMG Guidelines, 2015. Collection method: not provided. Allele origin: germline. Inheritance: Autosomal recessive inheritance. Affected: yes.

NM_002282.3(KRT83):c.1041+6A>G

Gene: KRT83 (keratin 83; minus strand). Cytogenetic location: 12q13.13.
Variant type: single nucleotide variant.
Coding change: c.1041+6A>G on transcript NM_002282.3 (MANE Select); 6 bases into the intron after coding-DNA position 1041, A replaced by G.
Molecular consequence: intron variant.
Genome position (GRCh38, 1-based): chr12:52,316,462, T>C on the plus strand (A>G on the coding strand, the complement: KRT83 is on the minus strand). VCF-style: chr12-52316462-T-C. GRCh37 (hg19) VCF-style: chr12-52710246-T-C.
Identifiers: ClinVar variation 309506 (VCV000309506.14), dbSNP rs2270267, ClinGen allele CA6577422.
Genomic context (GRCh38, chr12:52,316,462, plus strand): 5'-AAATCCCTCTGCCGAGGGCTAACCCCAGTCTCTTCCTACACTGAGGGGTGGGCCGGGCTC[T>C]GGTACCTGGCACTTGGCATTCTCCACCTCGGCTGTCAGCCTCTGGATCATGCGGTTCAGC-3'